The following is an entry in ClinVar:

NM_000343.4(SLC5A1):c.623C>T (p.Thr208Met)

Gene: SLC5A1 (solute carrier family 5 member 1; plus strand). Cytogenetic location: 22q12.3.
Variant type: single nucleotide variant.
Coding change: c.623C>T on transcript NM_000343.4 (MANE Select); coding-DNA position 623, C replaced by T.
Protein change: p.Thr208Met; replaces threonine 208 with methionine.
Molecular consequence: missense variant.
Genome position (GRCh38, 1-based): chr22:32,083,113, C>T. VCF-style: chr22-32083113-C-T. GRCh37 (hg19) VCF-style: chr22-32479100-C-T.
Other names: c.242C>T, p.Thr81Met (NM_001256314.2); short protein forms T81M, T208M.
Identifiers: ClinVar variation 1361703 (VCV001361703.5), dbSNP rs199872285, ClinGen allele CA10198025.
Genomic context (GRCh38, chr22:32,083,113, plus strand): 5'-GTTGTCTTCTTGCCTGCTTAGGGGGCCTGGCGGCGGTGATTTACACGGACACCTTGCAGA[C>T]GGTGATCATGCTGGTGGGGTCTTTAATCCTGACTGGGTTTGGTAAGTGGGGCCAGGGCAG-3'
Protein context (NP_000334.1, residues 198-218): AAVIYTDTLQ[Thr208Met]VIMLVGSLIL

ClinVar aggregate classification (germline): Uncertain significance (1 of 4 stars; one submission).

Conditions:
Congenital glucose-galactose malabsorption (GGM). Also called: MONOSACCHARIDE MALABSORPTION; DIARRHEA 16. Identifiers: Orphanet 35710, MedGen C0268186, MONDO:0011731, OMIM 606824.

Allele frequency attached by ClinVar (database versions not stated): TOPMed 0.00001; ExAC 0.00002; gnomAD 0.00002 and 0.00003; gnomAD exomes 0.00002; 1000 Genomes Project 30x 0.00031; 1000 Genomes Project 0.00040.
gnomAD v4.1: 36 of 1,614,098 alleles (0.0022%); highest among the groups gnomAD compares: South Asian, 0.0066%; no homozygotes.

Submission:

Labcorp Genetics (formerly Invitae), Labcorp
Classification: Uncertain significance for Congenital glucose-galactose malabsorption. Last evaluated: 2022-05-26. Review status: criteria provided, single submitter. Criteria: Invitae Variant Classification Sherloc (09022015). Collection method: clinical testing. Allele origin: germline.
Comment: This sequence change replaces threonine, which is neutral and polar, with methionine, which is neutral and non-polar, at codon 208 of the SLC5A1 protein (p.Thr208Met). This variant is present in population databases (rs199872285, gnomAD 0.004%). This variant has not been reported in the literature in individuals affected with SLC5A1-related conditions. Algorithms developed to predict the effect of missense changes on protein structure and function (SIFT, PolyPhen-2, Align-GVGD) all suggest that this variant is likely to be disruptive. In summary, the available evidence is currently insufficient to determine the role of this variant in disease. Therefore, it has been classified as a Variant of Uncertain Significance.